The following is an entry in ClinVar:

NM_005883.3(APC2):c.3380C>A (p.Pro1127Gln)

Gene: APC2 (APC regulator of Wnt signaling pathway 2; plus strand). Cytogenetic location: 19p13.3.
Variant type: single nucleotide variant.
Coding change: c.3380C>A on transcript NM_005883.3 (MANE Select); coding-DNA position 3380, C replaced by A.
Protein change: p.Pro1127Gln; replaces proline 1127 with glutamine.
Molecular consequence: missense variant.
Genome position (GRCh38, 1-based): chr19:1,466,681, C>A. VCF-style: chr19-1466681-C-A. GRCh37 (hg19) VCF-style: chr19-1466680-C-A.
Other names: c.3377C>A, p.Pro1126Gln (NM_001351273.1); short protein forms P1126Q, P1127Q.
Identifiers: ClinVar variation 3643101 (VCV003643101.2).

ClinVar aggregate classification (germline): Uncertain significance (1 of 4 stars; one submission).

Submission:

Labcorp Genetics (formerly Invitae), Labcorp
Classification: Uncertain significance. Last evaluated: 2024-02-24. Review status: criteria provided, single submitter. Criteria: Invitae Variant Classification Sherloc (09022015). Collection method: clinical testing. Allele origin: germline.
Comment: This sequence change replaces proline, which is neutral and non-polar, with glutamine, which is neutral and polar, at codon 1127 of the APC2 protein (p.Pro1127Gln). This variant is not present in population databases (gnomAD no frequency). This variant has not been reported in the literature in individuals affected with APC2-related conditions. An algorithm developed to predict the effect of missense changes on protein structure and function (PolyPhen-2) suggests that this variant is likely to be disruptive. In summary, the available evidence is currently insufficient to determine the role of this variant in disease. Therefore, it has been classified as a Variant of Uncertain Significance.